The following is an entry in ClinVar:

NM_005869.4(CWC27):c.657T>A (p.Asn219Lys)

Gene: CWC27 (CWC27 spliceosome associated cyclophilin; plus strand). Cytogenetic location: 5q12.3.
Variant type: single nucleotide variant.
Coding change: c.657T>A on transcript NM_005869.4 (MANE Select); coding-DNA position 657, T replaced by A.
Protein change: p.Asn219Lys; replaces asparagine 219 with lysine.
Molecular consequence: missense variant.
Genome position (GRCh38, 1-based): chr5:64,789,008, T>A. VCF-style: chr5-64789008-T-A. GRCh37 (hg19) VCF-style: chr5-64084835-T-A.
Other names: c.657T>A, p.Asn219Lys (NM_001297644.1, NM_001297645.2, NM_001318000.2 and 1 more transcripts); short protein forms N219K.
Identifiers: ClinVar variation 1059854 (VCV001059854.7), dbSNP rs1743982482, ClinGen allele CA359847719.
Genomic context (GRCh38, chr5:64,789,008, plus strand): 5'-TAGAAATTTTAGTTTACTTTCATTTGGAGAGGAAGCTGAGGAAGAAGAGGAGGAAGTAAA[T>A]CGAGTTAGTCAGGTAATCTCTAATTTGCCCTTTGTTCTAACTTACAAAAGAGATTGGGGT-3'
Protein context (NP_005860.2, residues 209-229): EEAEEEEEEV[Asn219Lys]RVSQSMKGKS

ClinVar aggregate classification (germline): Uncertain significance (1 of 4 stars; one submission).

Allele frequency attached by ClinVar (database versions not stated): TOPMed below 0.00001.

Submission:

Labcorp Genetics (formerly Invitae), Labcorp
Classification: Uncertain significance. Last evaluated: 2022-07-05. Review status: criteria provided, single submitter. Criteria: Invitae Variant Classification Sherloc (09022015). Collection method: clinical testing. Allele origin: germline.
Comment: In summary, the available evidence is currently insufficient to determine the role of this variant in disease. Therefore, it has been classified as a Variant of Uncertain Significance. Algorithms developed to predict the effect of missense changes on protein structure and function (SIFT, PolyPhen-2, Align-GVGD) all suggest that this variant is likely to be tolerated. ClinVar contains an entry for this variant (Variation ID: 1059854). This variant has not been reported in the literature in individuals affected with CWC27-related conditions. This variant is not present in population databases (gnomAD no frequency). This sequence change replaces asparagine, which is neutral and polar, with lysine, which is basic and polar, at codon 219 of the CWC27 protein (p.Asn219Lys).